The following is an entry in ClinVar:

ClinVar aggregate classification (germline): Pathogenic (1 of 4 stars; one submission).

Conditions:
Hereditary angioedema type 1 (HAE1). Identifiers: Orphanet 100050, Orphanet 100051, Orphanet 91378, MedGen C2717906, MONDO:0015053, OMIM 106100.

Submission:

DNA-diagnostics Laboratory, Research Centre For Medical Genetics
Classification: Pathogenic for Hereditary angioedema type 1. Last evaluated: 2024-07-21. Review status: criteria provided, single submitter. Criteria: ACMG Guidelines, 2015. Collection method: research. Allele origin: germline. Inheritance: Autosomal dominant inheritance. Affected: yes. Observed: 1 variant allele.
Comment: The c.706T>G variant in SERPING1 meets ACMG/ClinGen SVI guidance criteria to be classified as pathogenic: PP4_Str, PP3_Str, PM2_Sup, PP2

NM_000062.3(SERPING1):c.706T>G (p.Phe236Val)

Gene: SERPING1 (serpin family G member 1; plus strand). Cytogenetic location: 11q12.1.
Variant type: single nucleotide variant.
Coding change: c.706T>G on transcript NM_000062.3 (MANE Select); coding-DNA position 706, T replaced by G.
Protein change: p.Phe236Val; replaces phenylalanine 236 with valine.
Molecular consequence: missense variant.
Genome position (GRCh38, 1-based): chr11:57,606,030, T>G. VCF-style: chr11-57606030-T-G. GRCh37 (hg19) VCF-style: chr11-57373503-T-G.
Other names: c.706T>G, p.Phe236Val (NM_001032295.2); short protein forms F236V.
Identifiers: ClinVar variation 3255465 (VCV003255465.2), dbSNP rs2495440402.